The following is an entry in ClinVar:

NM_001370259.2(MEN1):c.196A>G (p.Ser66Gly)

Gene: MEN1 (menin 1; minus strand). Cytogenetic location: 11q13.1.
Variant type: single nucleotide variant.
Coding change: c.196A>G on transcript NM_001370259.2 (MANE Select); coding-DNA position 196, A replaced by G.
Protein change: p.Ser66Gly; replaces serine 66 with glycine.
Molecular consequence: missense variant. On other transcripts: non-coding transcript variant (4).
Genome position (GRCh38, 1-based): chr11:64,809,914, T>C on the plus strand (A>G on the coding strand, the complement: MEN1 is on the minus strand). VCF-style: chr11-64809914-T-C. GRCh37 (hg19) VCF-style: chr11-64577386-T-C.
Other names: c.196A>G, p.Ser66Gly (NM_000244.4, NM_001370251.2, NM_001370260.2 and 20 more transcripts); short protein forms S66G.
Identifiers: ClinVar variation 2560725 (VCV002560725.2), dbSNP rs1942005110, ClinGen allele CA381187668.

ClinVar aggregate classification (germline): Uncertain significance (1 of 4 stars; one submission).

Conditions:
Hereditary cancer-predisposing syndrome. Also called: Neoplastic Syndromes, Hereditary; Hereditary Cancer Syndrome; Hereditary neoplastic syndrome; Tumor predisposition. Identifiers: Orphanet 140162, MedGen C0027672, MeSH D009386, MONDO:0015356.

Submission:

Ambry Genetics
Classification: Uncertain significance for Hereditary cancer-predisposing syndrome. Last evaluated: 2023-05-15. Review status: criteria provided, single submitter. Criteria: Ambry Variant Classification Scheme 2023. Collection method: clinical testing. Allele origin: germline.
Comment: The p.S66G variant (also known as c.196A>G), located in coding exon 1 of the MEN1 gene, results from an A to G substitution at nucleotide position 196. The serine at codon 66 is replaced by glycine, an amino acid with similar properties. This amino acid position is conserved. In addition, the in silico prediction for this alteration is inconclusive. Since supporting evidence is limited at this time, the clinical significance of this alteration remains unclear.